The following is an entry in ClinVar:

ClinVar aggregate classification (germline): Uncertain significance (1 of 4 stars; one submission).

Conditions:
Hereditary cancer-predisposing syndrome. Also called: Neoplastic Syndromes, Hereditary; Tumor predisposition; Hereditary Cancer Syndrome; Hereditary neoplastic syndrome. Identifiers: Orphanet 140162, MedGen C0027672, MeSH D009386, MONDO:0015356.

Submission:

Ambry Genetics
Classification: Uncertain significance for Hereditary cancer-predisposing syndrome. Last evaluated: 2024-09-10. Review status: criteria provided, single submitter. Criteria: Ambry Variant Classification Scheme 2023. Collection method: clinical testing. Allele origin: germline.
Comment: The p.N169D variant (also known as c.505A>G), located in coding exon 3 of the PHOX2B gene, results from an A to G substitution at nucleotide position 505. The asparagine at codon 169 is replaced by aspartic acid, an amino acid with highly similar properties. This amino acid position is well conserved in available vertebrate species. In addition, this alteration is predicted to be tolerated by in silico analysis. Based on the available evidence, the clinical significance of this variant remains unclear.

NM_003924.4(PHOX2B):c.505A>G (p.Asn169Asp)

Gene: PHOX2B (paired like homeobox 2B; minus strand). Cytogenetic location: 4p13.
Variant type: single nucleotide variant.
Coding change: c.505A>G on transcript NM_003924.4 (MANE Select); coding-DNA position 505, A replaced by G.
Protein change: p.Asn169Asp; replaces asparagine 169 with aspartic acid.
Molecular consequence: missense variant.
Genome position (GRCh38, 1-based): chr4:41,746,247, T>C on the plus strand (A>G on the coding strand, the complement: PHOX2B is on the minus strand). VCF-style: chr4-41746247-T-C. GRCh37 (hg19) VCF-style: chr4-41748264-T-C.
Other names: short protein forms N169D.
Identifiers: ClinVar variation 3417941 (VCV003417941.1).
Genomic context (GRCh38, chr4:41,746,247, plus strand): 5'-TCTTGGCCTCTTTGCTCTCGTCGTCCCTGGAAGAGTCAGACTTTTTGCCCGAGGAGCCGT[T>C]CTTGGCCGCGGCCGCTGCGGCTGCCGCTGCGCGCTCCTGCTTGCGAAACTTGGCGCGGCG-3'
Protein context (NP_003915.2, residues 159-179): AAAAAAAAAK[Asn169Asp]GSSGKKSDSS